The following is an entry in ClinVar:

ClinVar aggregate classification (germline): Uncertain significance (1 of 4 stars; one submission).

Submission:

Ambry Genetics
Classification: Uncertain significance. Last evaluated: 2025-02-01. Review status: criteria provided, single submitter. Criteria: Ambry Variant Classification Scheme 2023. Collection method: clinical testing. Allele origin: germline.
Comment: The p.P30T variant (also known as c.88C>A), located in coding exon 1 of the ATRIP gene, results from a C to A substitution at nucleotide position 88. The proline at codon 30 is replaced by threonine, an amino acid with highly similar properties. This amino acid position is conserved. In addition, the in silico prediction for this alteration is inconclusive. Based on the available evidence, the clinical significance of this variant remains unclear.

NM_130384.3(ATRIP):c.88C>A (p.Pro30Thr)

Genes: ATRIP (ATR interacting protein; plus strand), ATRIP-TREX1 (ATRIP-TREX1 readthrough; plus strand), LOC129936703 (ATAC-STARR-seq lymphoblastoid silent region 14331; plus strand). Cytogenetic location: 3p21.31.
Variant type: single nucleotide variant.
Coding change: c.88C>A on transcript NM_130384.3 (MANE Select); coding-DNA position 88, C replaced by A.
Protein change: p.Pro30Thr; replaces proline 30 with threonine.
Molecular consequence: missense variant. On other transcripts: non-coding transcript variant (1), intron variant (1).
Genome position (GRCh38, 1-based): chr3:48,446,933, C>A. VCF-style: chr3-48446933-C-A. GRCh37 (hg19) VCF-style: chr3-48488337-C-A.
Other names: c.88C>A, p.Pro30Thr (NM_032166.4); c.-218+134C>A (NM_001271022.2); short protein forms P30T.
Identifiers: ClinVar variation 3810241 (VCV003810241.1).